The following is an entry in ClinVar:

NM_006939.4(SOS2):c.804T>C (p.Thr268=)

Gene: SOS2 (SOS Ras/Rho guanine nucleotide exchange factor 2; minus strand). Cytogenetic location: 14q21.3.
Variant type: single nucleotide variant.
Coding change: c.804T>C on transcript NM_006939.4 (MANE Select); coding-DNA position 804, T replaced by C.
Protein change: p.Thr268=; no amino-acid change (threonine 268 retained).
Molecular consequence: synonymous variant.
Genome position (GRCh38, 1-based): chr14:50,182,517, A>G on the plus strand (T>C on the coding strand, the complement: SOS2 is on the minus strand). VCF-style: chr14-50182517-A-G. GRCh37 (hg19) VCF-style: chr14-50649235-A-G.
Identifiers: ClinVar variation 513635 (VCV000513635.14), dbSNP rs750437794, ClinGen allele CA7177452.

ClinVar aggregate classification (germline): Likely benign. Review status: criteria provided, multiple submitters, no conflicts (2 of 4 stars). 5 submissions from 5 submitters: Likely benign (5). Last evaluated 2025-04-13.

Conditions:
Cardiovascular phenotype. Identifiers: MedGen CN230736.
Noonan syndrome 9 (NS9). Identifiers: Orphanet 648, MedGen C4225282, MONDO:0014691, OMIM 616559.

Allele frequency attached by ClinVar (database versions not stated): gnomAD 0.00001; TOPMed 0.00001; ExAC 0.00002; gnomAD exomes 0.00002 and 0.00003.
gnomAD v4.1: 50 of 1,613,506 alleles (0.0031%); highest among the groups gnomAD compares: Non-Finnish European, 0.004%; no homozygotes.

Submissions (5):

Labcorp Genetics (formerly Invitae), Labcorp
Classification: Likely benign for Noonan syndrome 9. Last evaluated: 2025-04-13. Review status: criteria provided, single submitter. Criteria: Invitae Variant Classification Sherloc (09022015). Collection method: clinical testing. Allele origin: germline.

Blueprint Genetics
Classification: Likely benign. Last evaluated: 2024-09-03. Review status: criteria provided, single submitter. Criteria: ACMG Guidelines, 2015. Collection method: clinical testing. Allele origin: germline.

Ambry Genetics
Classification: Likely benign for Cardiovascular phenotype. Last evaluated: 2019-09-28. Review status: criteria provided, single submitter. Criteria: Ambry Variant Classification Scheme 2023. Collection method: clinical testing. Allele origin: germline.

GeneDx
Classification: Likely benign. Last evaluated: 2017-11-17. Review status: criteria provided, single submitter. Criteria: GeneDx Variant Classification (06012015). Collection method: clinical testing. Allele origin: germline. Affected: yes.
Comment: This variant is considered likely benign or benign based on one or more of the following criteria: it is a conservative change, it occurs at a poorly conserved position in the protein, it is predicted to be benign by multiple in silico algorithms, and/or has population frequency not consistent with disease.

Genome-Nilou Lab
Classification: Likely benign for Noonan syndrome 9. Review status: criteria provided, single submitter. Criteria: ACMG Guidelines, 2015. Collection method: clinical testing. Allele origin: germline.